The following is an entry in ClinVar:

NM_006267.5(RANBP2):c.1762G>A (p.Gly588Ser)

Gene: RANBP2 (RAN binding protein 2; plus strand). Cytogenetic location: 2q13.
Variant type: single nucleotide variant.
Coding change: c.1762G>A on transcript NM_006267.5 (MANE Select); coding-DNA position 1762, G replaced by A.
Protein change: p.Gly588Ser; replaces glycine 588 with serine.
Molecular consequence: missense variant.
Genome position (GRCh38, 1-based): chr2:108,753,004, G>A. VCF-style: chr2-108753004-G-A. GRCh37 (hg19) VCF-style: chr2-109369460-G-A.
Other names: short protein forms G588S.
Identifiers: ClinVar variation 1413605 (VCV001413605.7), dbSNP rs200629657, ClinGen allele CA1822441.

ClinVar aggregate classification (germline): Uncertain significance (1 of 4 stars; one submission).

Conditions:
Familial acute necrotizing encephalopathy (IIAE3). Also called: ENCEPHALOPATHY, ACUTE, INFECTION-INDUCED, SUSCEPTIBILITY TO, 3; Susceptibility to Acute Necrotizing Encephalopathy 1. Identifiers: Orphanet 88619, MedGen C2675556, MONDO:0011953, OMIM 608033.

Allele frequency attached by ClinVar (database versions not stated): gnomAD exomes 0.00004; gnomAD 0.00005; TOPMed 0.00006; ExAC 0.00007.
gnomAD v4.1: 95 of 1,607,998 alleles (0.0059%); highest among the groups gnomAD compares: Non-Finnish European, 0.0072%; no homozygotes.

Submission:

Labcorp Genetics (formerly Invitae), Labcorp
Classification: Uncertain significance for Familial acute necrotizing encephalopathy. Last evaluated: 2025-12-03. Review status: criteria provided, single submitter. Criteria: Invitae Variant Classification Sherloc (09022015). Collection method: clinical testing. Allele origin: germline.
Comment: This sequence change replaces glycine, which is neutral and non-polar, with serine, which is neutral and polar, at codon 588 of the RANBP2 protein (p.Gly588Ser). This variant is present in population databases (rs200629657, gnomAD 0.007%). This variant has not been reported in the literature in individuals affected with RANBP2-related conditions. ClinVar contains an entry for this variant (Variation ID: 1413605). An algorithm developed to predict the effect of missense changes on protein structure and function outputs the following: PolyPhen-2: "Benign". The serine amino acid residue is found in multiple mammalian species, which suggests that this missense change does not adversely affect protein function. In summary, the available evidence is currently insufficient to determine the role of this variant in disease. Therefore, it has been classified as a Variant of Uncertain Significance.